The following is an entry in ClinVar:

ClinVar aggregate classification (germline): Likely benign. Review status: criteria provided, multiple submitters, no conflicts (2 of 4 stars). 2 submissions from 2 submitters: Likely benign (2). Last evaluated 2026-08-18.

Conditions:
Nephronophthisis. Also called: Juvenile Nephronophthisis. Identifiers: Orphanet 655, MedGen C0687120, MONDO:0019005, HP:0000090.
NPHP4-related disorder. Also called: NPHP4-related condition; NPHP4-related disorders. Identifiers: MedGen CN239384.

Allele frequency attached by ClinVar (database versions not stated): gnomAD exomes 0.00001 and 0.00002; ExAC 0.00003.

Submissions (2):

PreventionGenetics, part of Exact Sciences
Classification: Likely benign for NPHP4-related condition. Last evaluated: 2026-08-18. Review status: criteria provided, single submitter. Criteria: ACMG Guidelines, 2015. Collection method: clinical testing. Allele origin: germline.
Comment: This variant is classified as likely benign based on ACMG/AMP sequence variant interpretation guidelines (Richards et al. 2015 PMID: 25741868, with internal and published modifications).

Labcorp Genetics (formerly Invitae), Labcorp
Classification: Likely benign for Nephronophthisis. Last evaluated: 2022-02-24. Review status: criteria provided, single submitter. Criteria: Invitae Variant Classification Sherloc (09022015). Collection method: clinical testing. Allele origin: germline.

NM_015102.5(NPHP4):c.2268C>T (p.Ser756=)

Gene: NPHP4 (nephrocystin 4; minus strand). Cytogenetic location: 1p36.31.
Variant type: single nucleotide variant.
Coding change: c.2268C>T on transcript NM_015102.5 (MANE Select); coding-DNA position 2268, C replaced by T.
Protein change: p.Ser756=; no amino-acid change (serine 756 retained).
Molecular consequence: synonymous variant. On other transcripts: non-coding transcript variant (1).
Genome position (GRCh38, 1-based): chr1:5,890,904, G>A on the plus strand (C>T on the coding strand, the complement: NPHP4 is on the minus strand). VCF-style: chr1-5890904-G-A. GRCh37 (hg19) VCF-style: chr1-5950964-G-A.
Other names: c.2268C>T (NM_015102.4); c.729C>T, p.Ser243= (NM_001291593.2); c.732C>T, p.Ser244= (NM_001291594.2).
Identifiers: ClinVar variation 1150371 (VCV001150371.10), dbSNP rs768290484, ClinGen allele CA554218.